The following is an entry in ClinVar:

NM_000540.3(RYR1):c.12874_12879dup (p.Gly4292_Ala4293dup)

Gene: RYR1 (ryanodine receptor 1; plus strand). Cytogenetic location: 19q13.2.
Variant type: Duplication.
Coding change: c.12874_12879dup on transcript NM_000540.3 (MANE Select); coding-DNA positions 12874 to 12879, 6 bases duplicated (GGGGCG; older notation c.12874_12879dupGGGGCG).
Protein change: p.Gly4292_Ala4293dup.
Molecular consequence: inframe insertion.
Genome position (GRCh38, 1-based): chr19:38,565,208-38,565,213, GGGGCG duplicated; duplicating any 6 consecutive bases within chr19:38,565,204-38,565,213 gives the same sequence; the c. name uses the placement nearest the transcript's 3' end. VCF-style (leftmost placement, unchanged base first): chr19-38565203-C-CGGCGGG. GRCh37 (hg19) VCF-style: chr19-39055843-C-CGGCGGG.
Other names: c.12859_12864dup, p.Gly4287_Ala4288dup (NM_001042723.2).
Identifiers: ClinVar variation 1496825 (VCV001496825.6), dbSNP rs2145844350, ClinGen allele CA2573156318.
Genomic context (GRCh38, chr19:38,565,203, plus strand): 5'-CGGGCGCGGAAGGCGCGGAGGAGGGCGCGGCGGGGCTCGAGGGCACGGCGGCCACGGCGG[C>CGGCGGG]GGCGGGGGCGACGGCGCGGGTTGTGGCGGCCGCAGGCCGGGCCCTGCGAGGCCTCAGCTA-3'

ClinVar aggregate classification (germline): Uncertain significance (1 of 4 stars; one submission).

Conditions:
RYR1-related disorder. Also called: RYR1-related condition; RYR1-related disorders. Identifiers: MedGen CN239331.

Submission:

Labcorp Genetics (formerly Invitae), Labcorp
Classification: Uncertain significance for RYR1-related disorder. Last evaluated: 2021-08-13. Review status: criteria provided, single submitter. Criteria: Invitae Variant Classification Sherloc (09022015). Collection method: clinical testing. Allele origin: germline.
Comment: This variant, c.12874_12879dup, results in the insertion of 2 amino acid(s) to the RYR1 protein (p.Gly4292_Ala4293dup), but otherwise preserves the integrity of the reading frame. The frequency data for this variant in the population databases is considered unreliable, as metrics indicate insufficient coverage at this position in the ExAC database. This variant has not been reported in the literature in individuals affected with RYR1-related conditions. Experimental studies and prediction algorithms are not available or were not evaluated, and the functional significance of this variant is currently unknown. In summary, the available evidence is currently insufficient to determine the role of this variant in disease. Therefore, it has been classified as a Variant of Uncertain Significance.